The following is an entry in ClinVar:

NM_005732.4(RAD50):c.1594A>G (p.Thr532Ala)

Gene: RAD50 (RAD50 double strand break repair protein; plus strand). Cytogenetic location: 5q31.1.
Variant type: single nucleotide variant.
Coding change: c.1594A>G on transcript NM_005732.4 (MANE Select); coding-DNA position 1594, A replaced by G.
Protein change: p.Thr532Ala; replaces threonine 532 with alanine.
Molecular consequence: missense variant.
Genome position (GRCh38, 1-based): chr5:132,591,365, A>G. VCF-style: chr5-132591365-A-G. GRCh37 (hg19) VCF-style: chr5-131927057-A-G.
Other names: short protein forms T532A.
Identifiers: ClinVar variation 580051 (VCV000580051.10), dbSNP rs763343833, ClinGen allele CA3405201.

ClinVar aggregate classification (germline): Uncertain significance. Review status: criteria provided, multiple submitters, no conflicts (2 of 4 stars). 2 submissions from 2 submitters: Uncertain significance (2). Last evaluated 2023-07-14.

Conditions:
Hereditary cancer-predisposing syndrome. Also called: Neoplastic Syndromes, Hereditary; Tumor predisposition; Hereditary neoplastic syndrome; Hereditary Cancer Syndrome. Identifiers: Orphanet 140162, MedGen C0027672, MeSH D009386, MONDO:0015356.

Allele frequency attached by ClinVar (database versions not stated): gnomAD exomes below 0.00001 and 0.00001; ExAC 0.00002.
gnomAD v4.1: 2 of 1,613,988 alleles (0.00012%); highest among the groups gnomAD compares: East Asian, 0.0022%; no homozygotes.

Submissions (2):

Labcorp Genetics (formerly Invitae), Labcorp
Classification: Uncertain significance for Hereditary cancer-predisposing syndrome. Last evaluated: 2023-07-14. Review status: criteria provided, single submitter. Criteria: Invitae Variant Classification Sherloc (09022015). Collection method: clinical testing. Allele origin: germline.
Comment: This sequence change replaces threonine, which is neutral and polar, with alanine, which is neutral and non-polar, at codon 532 of the RAD50 protein (p.Thr532Ala). In summary, the available evidence is currently insufficient to determine the role of this variant in disease. Therefore, it has been classified as a Variant of Uncertain Significance. Advanced modeling of protein sequence and biophysical properties (such as structural, functional, and spatial information, amino acid conservation, physicochemical variation, residue mobility, and thermodynamic stability) performed at Invitae indicates that this missense variant is not expected to disrupt RAD50 protein function. ClinVar contains an entry for this variant (Variation ID: 580051). This variant has not been reported in the literature in individuals affected with RAD50-related conditions. This variant is present in population databases (rs763343833, gnomAD 0.006%).

Ambry Genetics
Classification: Uncertain significance for Hereditary cancer-predisposing syndrome. Last evaluated: 2023-05-25. Review status: criteria provided, single submitter. Criteria: Ambry Variant Classification Scheme 2023. Collection method: clinical testing. Allele origin: germline.
Comment: The p.T532A variant (also known as c.1594A>G), located in coding exon 10 of the RAD50 gene, results from an A to G substitution at nucleotide position 1594. The threonine at codon 532 is replaced by alanine, an amino acid with similar properties. This amino acid position is conserved. In addition, this alteration is predicted to be tolerated by in silico analysis. Since supporting evidence is limited at this time, the clinical significance of this alteration remains unclear.